The following is an entry in ClinVar:

NM_053025.4(MYLK):c.298G>A (p.Asp100Asn)

Gene: MYLK (myosin light chain kinase; minus strand). Cytogenetic location: 3q21.1.
Variant type: single nucleotide variant.
Coding change: c.298G>A on transcript NM_053025.4 (MANE Select); coding-DNA position 298, G replaced by A.
Protein change: p.Asp100Asn; replaces aspartic acid 100 with asparagine.
Molecular consequence: missense variant. On other transcripts: intron variant (1).
Genome position (GRCh38, 1-based): chr3:123,752,406, C>T on the plus strand (G>A on the coding strand, the complement: MYLK is on the minus strand). VCF-style: chr3-123752406-C-T. GRCh37 (hg19) VCF-style: chr3-123471253-C-T.
Other names: c.298G>A, p.Asp100Asn (NM_053026.4, NM_053027.4, NM_053028.4); c.-155-12405G>A (NM_001321309.2); short protein forms D100N.
Identifiers: ClinVar variation 409701 (VCV000409701.11), dbSNP rs1060502535, ClinGen allele CA074992.

ClinVar aggregate classification (germline): Uncertain significance. Review status: criteria provided, multiple submitters, no conflicts (2 of 4 stars). 2 submissions from 2 submitters: Uncertain significance (2). Last evaluated 2025-08-17.

Conditions:
Familial thoracic aortic aneurysm and aortic dissection (TAAD). Also called: Thoracic aortic aneurysms and dissections. Identifiers: Orphanet 91387, MedGen C4707243, MONDO:0019625.
Aortic aneurysm, familial thoracic 7 (AAT7). Also called: AORTIC DISSECTION, FAMILIAL, WITH OR WITHOUT AORTIC ANEURYSM. Identifiers: MedGen C3151077, MONDO:0013418, OMIM 613780.

Allele frequency attached by ClinVar (database versions not stated): gnomAD exomes below 0.00001; gnomAD 0.00001; TOPMed 0.00001.
gnomAD v4.1: 6 of 1,614,088 alleles (0.00037%); highest among the groups gnomAD compares: African/African-American, 0.0013%; no homozygotes.

Submissions (2):

Labcorp Genetics (formerly Invitae), Labcorp
Classification: Uncertain significance for Aortic aneurysm, familial thoracic 7. Last evaluated: 2025-08-17. Review status: criteria provided, single submitter. Criteria: Invitae Variant Classification Sherloc (09022015). Collection method: clinical testing. Allele origin: germline.
Comment: This sequence change replaces aspartic acid, which is acidic and polar, with asparagine, which is neutral and polar, at codon 100 of the MYLK protein (p.Asp100Asn). This variant is present in population databases (no rsID available, gnomAD 0.004%). This variant has not been reported in the literature in individuals affected with MYLK-related conditions. ClinVar contains an entry for this variant (Variation ID: 409701). Invitae Evidence Modeling of protein sequence and biophysical properties (such as structural, functional, and spatial information, amino acid conservation, physicochemical variation, residue mobility, and thermodynamic stability) indicates that this missense variant is not expected to disrupt MYLK protein function with a negative predictive value of 95%. In summary, the available evidence is currently insufficient to determine the role of this variant in disease. Therefore, it has been classified as a Variant of Uncertain Significance.

Ambry Genetics
Classification: Uncertain significance for Familial thoracic aortic aneurysm and aortic dissection. Last evaluated: 2024-04-06. Review status: criteria provided, single submitter. Criteria: Ambry Variant Classification Scheme 2023. Collection method: clinical testing. Allele origin: germline.
Comment: The p.D100N variant (also known as c.298G>A), located in coding exon 2 of the MYLK gene, results from a G to A substitution at nucleotide position 298. The aspartic acid at codon 100 is replaced by asparagine, an amino acid with highly similar properties. This amino acid position is highly conserved in available vertebrate species. In addition, this alteration is predicted to be tolerated by in silico analysis. Since supporting evidence is limited at this time, the clinical significance of this alteration remains unclear.